The following is an entry in ClinVar:

NM_001039591.3(USP9X):c.626C>G (p.Ala209Gly)

Gene: USP9X (ubiquitin specific peptidase 9 X-linked; plus strand). Cytogenetic location: Xp11.4.
Variant type: single nucleotide variant.
Coding change: c.626C>G on transcript NM_001039591.3 (MANE Select); coding-DNA position 626, C replaced by G.
Protein change: p.Ala209Gly; replaces alanine 209 with glycine.
Molecular consequence: missense variant.
Genome position (GRCh38, 1-based): chrX:41,136,994, C>G. VCF-style: chrX-41136994-C-G. GRCh37 (hg19) VCF-style: chrX-40996247-C-G.
Other names: c.626C>G, p.Ala209Gly (NM_001039590.3); short protein forms A209G.
Identifiers: ClinVar variation 1308505 (VCV001308505.2), dbSNP rs2147035473, ClinGen allele CA412763566.
Genomic context (GRCh38, chrX:41,136,994, plus strand): 5'-GTACACGTCCATGTGAATCAGTTTCCTCAAGTGTTCAGTTGCCTGAAGATGAACTCTTTG[C>G]TCGTTCTCCAGATCCTCGATCACCAAAGGTGTGTTGGTTTGTTATTTTCAAAATTAAATA-3'
Protein context (NP_001034680.2, residues 199-219): SVQLPEDELF[Ala209Gly]RSPDPRSPKG

ClinVar aggregate classification (germline): Uncertain significance (1 of 4 stars; one submission).

Submission:

GeneDx
Classification: Uncertain significance. Last evaluated: 2019-04-05. Review status: criteria provided, single submitter. Criteria: GeneDx Variant Classification Process June 2021. Collection method: clinical testing. Allele origin: germline. Affected: yes.
Comment: Not observed in large population cohorts (Lek et al., 2016); In silico analysis, which includes protein predictors and evolutionary conservation, supports a deleterious effect; Has not been previously published as pathogenic or benign to our knowledge